The following is an entry in ClinVar:

ClinVar aggregate classification (germline): Pathogenic (1 of 4 stars; one submission).

Conditions:
Generalized pustular psoriasis. Identifiers: Orphanet 247353, MedGen C0343055, MONDO:0100491.

Submission:

Labcorp Genetics (formerly Invitae), Labcorp
Classification: Pathogenic for Generalized pustular psoriasis. Last evaluated: 2024-03-26. Review status: criteria provided, single submitter. Criteria: Invitae Variant Classification Sherloc (09022015). Collection method: clinical testing. Allele origin: germline.
Comment: This sequence change creates a premature translational stop signal (p.Ala6Argfs*6) in the IL36RN gene. It is expected to result in an absent or disrupted protein product. Loss-of-function variants in IL36RN are known to be pathogenic (PMID: 23698098). This variant is not present in population databases (gnomAD no frequency). This variant has not been reported in the literature in individuals affected with IL36RN-related conditions. For these reasons, this variant has been classified as Pathogenic.

Literature cited by the submitters: PubMed 23698098.

NM_012275.3(IL36RN):c.16del (p.Ala6fs)

Gene: IL36RN (interleukin 36 receptor antagonist; plus strand). Cytogenetic location: 2q14.1.
Variant type: Deletion.
Coding change: c.16del on transcript NM_012275.3 (MANE Select); coding-DNA position 16, one base deleted (G; older notation c.16delG).
Protein change: p.Ala6fs; shifts the reading frame from alanine 6.
Molecular consequence: frameshift variant.
Genome position (GRCh38, 1-based): chr2:113,059,454, G deleted; the last of 4 consecutive G bases (chr2:113,059,451-113,059,454); deleting any one gives the same sequence. VCF-style (leftmost placement, unchanged base first): chr2-113059450-TG-T. GRCh37 (hg19) VCF-style: chr2-113817027-TG-T.
Other names: c.16del, p.Ala6fs (NM_173170.1); short protein forms A6fs.
Identifiers: ClinVar variation 3640207 (VCV003640207.2).